The following is an entry in ClinVar:

ClinVar aggregate classification (germline): Uncertain significance (1 of 4 stars; one submission).

Conditions:
Rubinstein-Taybi syndrome (RSTS). Identifiers: Orphanet 783, MedGen C0035934, MONDO:0019188.

Allele frequency attached by ClinVar (database versions not stated): gnomAD exomes below 0.00001; gnomAD 0.00001; TOPMed 0.00001.
gnomAD v4.1: 5 of 1,613,684 alleles (0.00031%); highest among the groups gnomAD compares: East Asian, 0.0022%; no homozygotes.

Submission:

Labcorp Genetics (formerly Invitae), Labcorp
Classification: Uncertain significance for Rubinstein-Taybi syndrome. Last evaluated: 2023-07-21. Review status: criteria provided, single submitter. Criteria: Invitae Variant Classification Sherloc (09022015). Collection method: clinical testing. Allele origin: germline.
Comment: In summary, the available evidence is currently insufficient to determine the role of this variant in disease. Therefore, it has been classified as a Variant of Uncertain Significance. This sequence change replaces arginine, which is basic and polar, with tryptophan, which is neutral and slightly polar, at codon 2151 of the CREBBP protein (p.Arg2151Trp). This variant is not present in population databases (gnomAD no frequency). This variant has not been reported in the literature in individuals affected with CREBBP-related conditions. Advanced modeling of protein sequence and biophysical properties (such as structural, functional, and spatial information, amino acid conservation, physicochemical variation, residue mobility, and thermodynamic stability) has been performed at Invitae for this missense variant, however the output from this modeling did not meet the statistical confidence thresholds required to predict the impact of this variant on CREBBP protein function.

NM_004380.3(CREBBP):c.6451C>T (p.Arg2151Trp)

Gene: CREBBP (CREB binding lysine acetyltransferase; minus strand). Cytogenetic location: 16p13.3.
Variant type: single nucleotide variant.
Coding change: c.6451C>T on transcript NM_004380.3 (MANE Select); coding-DNA position 6451, C replaced by T.
Protein change: p.Arg2151Trp; replaces arginine 2151 with tryptophan.
Molecular consequence: missense variant.
Genome position (GRCh38, 1-based): chr16:3,728,596, G>A on the plus strand (C>T on the coding strand, the complement: CREBBP is on the minus strand). VCF-style: chr16-3728596-G-A. GRCh37 (hg19) VCF-style: chr16-3778597-G-A.
Other names: c.6337C>T, p.Arg2113Trp (NM_001079846.1); short protein forms R2151W, R2113W.
Identifiers: ClinVar variation 2868990 (VCV002868990.3), dbSNP rs1361732490, ClinGen allele CA394552679.